The following is an entry in ClinVar:

ClinVar aggregate classification (germline): Likely benign. Review status: criteria provided, multiple submitters, no conflicts (2 of 4 stars). 2 submissions from 2 submitters: Likely benign (2). Last evaluated 2025-11-27.

Conditions:
ELN-related disorder.
Supravalvar aortic stenosis (SVAS). Also called: Supravalvar aortic stenosis, Eisenberg type. Identifiers: Orphanet 3193, MedGen C0003499, MONDO:0008504, OMIM 185500, HP:0004381.

Allele frequency attached by ClinVar (database versions not stated): ExAC 0.00001; TOPMed 0.00002; gnomAD 0.00004.
gnomAD v4.1: 22 of 1,613,784 alleles (0.0014%); highest among the groups gnomAD compares: Non-Finnish European, 0.0017%; no homozygotes.

Submissions (2):

Labcorp Genetics (formerly Invitae), Labcorp
Classification: Likely benign for Supravalvar aortic stenosis. Last evaluated: 2025-11-27. Review status: criteria provided, single submitter. Criteria: Invitae Variant Classification Sherloc (09022015). Collection method: clinical testing. Allele origin: germline.

PreventionGenetics, part of Exact Sciences
Classification: Likely benign for ELN-related condition. Last evaluated: 2025-03-03. Review status: criteria provided, single submitter. Criteria: ACMG Guidelines, 2015. Collection method: clinical testing. Allele origin: germline.
Comment: This variant is classified as likely benign based on ACMG/AMP sequence variant interpretation guidelines (Richards et al. 2015 PMID: 25741868, with internal and published modifications).

NM_000501.4(ELN):c.2087-4G>A

Gene: ELN (elastin; plus strand). Cytogenetic location: 7q11.23.
Variant type: single nucleotide variant.
Coding change: c.2087-4G>A on transcript NM_000501.4 (MANE Select); 4 bases into the intron before coding-DNA position 2087, G replaced by A.
Molecular consequence: intron variant.
Genome position (GRCh38, 1-based): chr7:74,066,728, G>A. VCF-style: chr7-74066728-G-A. GRCh37 (hg19) VCF-style: chr7-73481058-G-A.
Other names: c.2048-4G>A (NM_001081754.3); c.1991-4G>A (NM_001081753.3); c.2273-4G>A (NM_001278939.2); c.2105-4G>A (NM_001278915.2); c.2033-4G>A (NM_001278912.2); c.2030-4G>A (NM_001081755.3); c.1889-4G>A (NM_001278916.2); c.1844-4G>A (NM_001278913.2); and 5 more.
Identifiers: ClinVar variation 2177108 (VCV002177108.5), dbSNP rs782528340, ClinGen allele CA4293391.